The following is an entry in ClinVar:

ClinVar aggregate classification (germline): Likely pathogenic. Review status: reviewed by expert panel (3 of 4 stars). 2 submissions from 2 submitters: Likely pathogenic (1). 1 of the submissions does not count toward it. Last evaluated 2023-10-09.

Conditions:
Mitochondrial disease. Also called: Mitochondrial disorder; Mitochondrial disorders. Identifiers: Orphanet 68380, MedGen C0751651, MeSH D028361, MONDO:0044970.
Mitochondrial complex I deficiency. Also called: NADH:Q(1) OXIDOREDUCTASE DEFICIENCY. Identifiers: Orphanet 2609, MedGen C1838979, MeSH C537475, MONDO:0100133.

Submissions (2):

ClinGen Mitochondrial Disease Nuclear and Mitochondrial  Variant Curation Expert Panel, ClinGen
Classification: Likely pathogenic for Mitochondrial disease. Last evaluated: 2023-10-09. Review status: reviewed by expert panel. Criteria: clingen mito disease acmg specifications v1-1. Collection method: curation. Allele origin: germline. Inheritance: Mitochondrial inheritance.
Comment: The m.4810G>A (p.W114*) variant in MT-ND2 has been reported in three individuals with primary mitochondrial disease to date. One individual was reported to have severe exercise intolerance, muscle weakness, myalgia, ophthalmoplegia, ptosis, elevated blood lactate, elevated CK, electromyography consistent with myopathy, and ragged red fibers on muscle biopsy (PMID: 15781840). Complex I activity was reduced in muscle. The variant was present at 94% heteroplasmy in muscle and was undetectable in blood. The two additional individuals reported had ophthalmoplegia and ptosis, however no additional details were provided (Roisin 2022, Newcastle University). There are no reported de novo occurrences of this variant to our knowledge. There are no reports of large families with this variant segregating with disease. This variant is absent in the GenBank dataset, Helix dataset, and gnomAD v3.1.2 (PM2_supporting). The transition at base position m.4810 causes a W114Ter change. This causes a significant truncation (67%) of the ND2 protein (PVS1_strong). Single fiber testing showed numerous ragged-red fibers with the variant present at a mean of 84.27% (n=15) compared to the variant being present at a mean heteroplasmy of 7.15% in the normal fibers (n=14, PS3_supporting, PMID: 15781840). There are no in silico predictors for this type of variant in mitochondrial DNA. In summary, this variant meets criteria to be classified as likely pathogenic for primary mitochondrial disease inherited in a mitochondrial manner. We note that one expert on this panel felt uncertain significance was the more appropriate classification given only one case with clinical details has been reported and extensive functional validation is lacking. This classification was approved by the NICHD/NINDS U24 ClinGen Mitochondrial Disease Variant Curation Expert Panel on October 9, 2023. Mitochondrial DNA-specific ACMG/AMP criteria applied (PMID: 32906214): PM2_supporting, PS3_supporting, PVS1_strong.

OMIM
Classification: Pathogenic for MITOCHONDRIAL COMPLEX I DEFICIENCY. Last evaluated: 2005-03-22. Review status: no assertion criteria provided. Collection method: literature only. Allele origin: germline. Not counted in ClinVar's aggregate classification.

Literature cited by the submitters: PubMed 15781840 (cited by OMIM).

NC_012920.1(MT-ND2):m.4810G>A

Gene: MT-ND2 (mitochondrially encoded NADH dehydrogenase 2; plus strand).
Variant type: single nucleotide variant.
Genome position: chrM-4810-G-A.
Other names: W114*.
Identifiers: ClinVar variation 9720 (VCV000009720.4), dbSNP rs267606888, ClinGen allele CA120642.
Genomic context (GRCh38, chrMT:4,810, plus strand): 5'-CATCATTAATAATCATAATAGCTATAGCAATAAAACTAGGAATAGCCCCCTTTCACTTCT[G>A]AGTCCCAGAGGTTACCCAAGGCACCCCTCTGACATCCGGCCTGCTTCTTCTCACATGACA-3'